The following is an entry in ClinVar:

ClinVar aggregate classification (germline): Uncertain significance (1 of 4 stars; one submission).

Submission:

GeneDx
Classification: Uncertain significance. Last evaluated: 2020-05-14. Review status: criteria provided, single submitter. Criteria: GeneDx Variant Classification Process June 2021. Collection method: clinical testing. Allele origin: germline. Affected: yes.
Comment: Not observed in large population cohorts (Lek et al., 2016); In silico analysis, which includes protein predictors and evolutionary conservation, supports that this variant does not alter protein structure/function; Has not been previously published as pathogenic or benign to our knowledge

NM_014846.4(WASHC5):c.3187G>C (p.Val1063Leu)

Genes: WASHC5 (WASH complex subunit 5; minus strand), LOC126860498 (P300/CBP strongly-dependent group 1 enhancer GRCh37_chr8:126043836-126045035; plus strand). Cytogenetic location: 8q24.13.
Variant type: single nucleotide variant.
Coding change: c.3187G>C on transcript NM_014846.4 (MANE Select); coding-DNA position 3187, G replaced by C.
Protein change: p.Val1063Leu; replaces valine 1063 with leucine.
Molecular consequence: missense variant.
Genome position (GRCh38, 1-based): chr8:125,032,389, C>G on the plus strand (G>C on the coding strand, the complement: WASHC5 is on the minus strand). VCF-style: chr8-125032389-C-G. GRCh37 (hg19) VCF-style: chr8-126044631-C-G.
Other names: c.2743G>C, p.Val915Leu (NM_001330609.2); short protein forms V1063L, V915L.
Identifiers: ClinVar variation 1309821 (VCV001309821.2), dbSNP rs2129964169, ClinGen allele CA372182297.